The following is an entry in ClinVar:

NM_133379.5(TTN):c.14327T>C (p.Leu4776Ser)

Genes: TTN (titin; minus strand), LOC126806432 (CDK7 strongly-dependent group 2 enhancer GRCh37_chr2:179611985-179613184; plus strand). Cytogenetic location: 2q31.2.
Variant type: single nucleotide variant.
Coding change: c.14327T>C on transcript NM_133379.5; coding-DNA position 14327, T replaced by C.
Protein change: p.Leu4776Ser; replaces leucine 4776 with serine.
Molecular consequence: missense variant. On other transcripts: intron variant (6).
Genome position (GRCh38, 1-based): chr2:178,748,073, A>G on the plus strand (T>C on the coding strand, the complement: TTN is on the minus strand). VCF-style: chr2-178748073-A-G. GRCh37 (hg19) VCF-style: chr2-179612800-A-G.
Other names: p.L4776S:TTA>TCA; c.10360+5051T>C (NM_133378.4, NM_001256850.1); c.10222+5051T>C (NM_003319.4); c.10798+5051T>C (NM_133437.4); c.10597+5051T>C (NM_133432.3); c.11311+5051T>C (NM_001267550.2); c.14327T>C (NM_133379.4); short protein forms L4776S.
Identifiers: ClinVar variation 47771 (VCV000047771.48), dbSNP rs142132973, ClinGen allele CA141862.
Genomic context (GRCh38, chr2:178,748,073, plus strand): 5'-TTTGGAAATGCTGCCAACTCTGGTTCTAGAGTGCATTCTTCTTCCATTTCACCAACCCCT[A>G]AAGGCTTTTCCTCACTTGCTGCTTTTTTCAAATGTGAGATGGAACTTCTGCCTCCATTTT-3'

ClinVar aggregate classification (germline): Conflicting classifications of pathogenicity. Review status: criteria provided, conflicting classifications (1 of 4 stars). 7 submissions from 7 submitters: Uncertain significance (1); Benign (4); Likely benign (2). Last evaluated 2026-08-01.

Allele frequency attached by ClinVar (database versions not stated): gnomAD 0.00020 and 0.00049; ExAC 0.00161; 1000 Genomes Project 30x 0.00234; TOPMed 0.00032; 1000 Genomes Project 0.00260; gnomAD exomes 0.00084 and 0.00151.
gnomAD v4.1: 1,319 of 1,612,984 alleles (0.082%); highest among the groups gnomAD compares: South Asian, 0.92%; 11 homozygotes.

Submissions (7):

CeGaT Center for Human Genetics Tuebingen
Classification: Likely benign. Last evaluated: 2026-08-01. Review status: criteria provided, single submitter. Criteria: CeGaT Center For Human Genetics Tuebingen Variant Classification Criteria Version 2. Collection method: clinical testing. Allele origin: germline. Affected: yes. Observed: 15 variant alleles.
Comment: TTN: BP4, BS2

Molecular Diagnostic Laboratory for Inherited Cardiovascular Disease, Montreal Heart Institute
Classification: Benign. Last evaluated: 2025-04-09. Review status: criteria provided, single submitter. Criteria: ACMG Guidelines, 2015. Collection method: clinical testing. Allele origin: germline. Affected: no.

Blueprint Genetics
Classification: Likely benign. Last evaluated: 2024-11-25. Review status: criteria provided, single submitter. Criteria: ACMG Guidelines, 2015. Collection method: clinical testing. Allele origin: germline.

Laboratory for Molecular Medicine, Mass General Brigham Personalized Medicine
Classification: Benign. Last evaluated: 2021-01-26. Review status: criteria provided, single submitter. Criteria: LMM Criteria. Collection method: clinical testing. Allele origin: germline. Observed: 4 variant alleles.
Comment: The p.Leu4776Ser variant in TTN is classified as benign because it has been identified in 0.9% (291/30596) of South Asian chromosomes, including 2 homozygotes, by gnomAD. ACMG/AMP Criteria applied: BA1.

Eurofins Ntd Llc (ga)
Classification: Benign. Last evaluated: 2017-02-07. Review status: criteria provided, single submitter. Criteria: EGL Classification Definitions 2015. Collection method: clinical testing. Allele origin: germline. Observed: 1 variant allele, 1 heterozygote.

GeneDx
Classification: Benign. Last evaluated: 2015-05-29. Review status: criteria provided, single submitter. Criteria: GeneDx Variant Classification (06012015). Collection method: clinical testing. Allele origin: germline. Affected: yes.
Comment: This variant is considered likely benign or benign based on one or more of the following criteria: it is a conservative change, it occurs at a poorly conserved position in the protein, it is predicted to be benign by multiple in silico algorithms, and/or has population frequency not consistent with disease.

Biesecker Lab/Clinical Genomics Section, National Institutes of Health
Classification: Uncertain significance. Last evaluated: 2013-06-24. Review status: criteria provided, single submitter. Criteria: Ng et al. (Circ Cardiovasc Genet. 2013). Collection method: research. Allele origin: unknown. Observed: 1 variant allele. Study: ClinSeq.
Comment: The study set was not selected for affection status in relation to any cancer. Pathogenicity categories were based on literature curation. See Pubmed ID:23861362 for details.

Medical sequencing